The following is an entry in ClinVar:

NM_020843.4(SCAPER):c.3312-4C>G

Gene: SCAPER (S-phase cyclin A associated protein in the ER; minus strand). Cytogenetic location: 15q24.3.
Variant type: single nucleotide variant.
Coding change: c.3312-4C>G on transcript NM_020843.4 (MANE Select); 4 bases into the intron before coding-DNA position 3312, C replaced by G.
Molecular consequence: intron variant.
Genome position (GRCh38, 1-based): chr15:76,404,683, G>C on the plus strand (C>G on the coding strand, the complement: SCAPER is on the minus strand). VCF-style: chr15-76404683-G-C. GRCh37 (hg19) VCF-style: chr15-76697024-G-C.
Other names: c.2928-4C>G (NM_001353011.2); c.2910-4C>G (NM_001353012.2, NM_001353010.2); c.3330-4C>G (NM_001353009.2); c.2574-4C>G (NM_001145923.2).
Identifiers: ClinVar variation 753501 (VCV000753501.11), dbSNP rs369765744, ClinGen allele CA7674460.

ClinVar aggregate classification (germline): Benign/Likely benign. Review status: criteria provided, multiple submitters, no conflicts (2 of 4 stars). 3 submissions from 3 submitters: Benign (1); Likely benign (2). Last evaluated 2025-11-01.

Allele frequency attached by ClinVar (database versions not stated): gnomAD 0.00015 and 0.00016; ExAC 0.00024; TOPMed 0.00034; gnomAD exomes 0.00035; ESP Exome Variant Server 0.00056.
gnomAD v4.1: 306 of 1,607,904 alleles (0.019%); highest among the groups gnomAD compares: Middle Eastern, 0.017%; no homozygotes.

Submissions (3):

CeGaT Center for Human Genetics Tuebingen
Classification: Likely benign. Last evaluated: 2025-11-01. Review status: criteria provided, single submitter. Criteria: CeGaT Center For Human Genetics Tuebingen Variant Classification Criteria Version 2. Collection method: clinical testing. Allele origin: germline. Affected: yes. Observed: 1 variant allele.
Comment: SCAPER: BP4

Blueprint Genetics
Classification: Likely benign. Last evaluated: 2024-10-30. Review status: criteria provided, single submitter. Criteria: ACMG Guidelines, 2015. Collection method: clinical testing. Allele origin: germline.

Labcorp Genetics (formerly Invitae), Labcorp
Classification: Benign. Last evaluated: 2019-12-31. Review status: criteria provided, single submitter. Criteria: Invitae Variant Classification Sherloc (09022015). Collection method: clinical testing. Allele origin: germline.